The following is an entry in ClinVar:

NM_006206.6(PDGFRA):c.768dup (p.Gly257fs)

Gene: PDGFRA (platelet derived growth factor receptor alpha; plus strand). Cytogenetic location: 4q12.
Variant type: Duplication.
Coding change: c.768dup on transcript NM_006206.6 (MANE Select); coding-DNA position 768, one base duplicated (A; older notation c.768dupA).
Protein change: p.Gly257fs; shifts the reading frame from glycine 257.
Molecular consequence: frameshift variant.
Genome position (GRCh38, 1-based): chr4:54,267,297, A duplicated; the last of 3 consecutive A bases (chr4:54,267,295-54,267,297); duplicating any one gives the same sequence. VCF-style (leftmost placement, unchanged base first): chr4-54267294-C-CA. GRCh37 (hg19) VCF-style: chr4-55133461-C-CA.
Other names: c.843dup, p.Gly282fs (NM_001347828.2); c.768dup, p.Gly257fs (NM_001347829.2, NM_001347827.2); c.807dup, p.Gly270fs (NM_001347830.2); short protein forms G257fs, G270fs, G282fs.
Identifiers: ClinVar variation 1024371 (VCV001024371.7), dbSNP rs1723079151, ClinGen allele CA1458529548.
Genomic context (GRCh38, chr4:54,267,294, plus strand): 5'-TTCACTCCTAGGAGCGAGCTTTTTAAAAGTCGGTTTTCTTCCCCTTTTGCTGTAGAAAGG[C>CA]AAAGGCATCACAATGCTGGAAGAAATCAAAGTCCCATCCATCAAATTGGTGTACACTTTG-3'

ClinVar aggregate classification (germline): Uncertain significance (1 of 4 stars; one submission).

Conditions:
Gastrointestinal stromal tumor. Also called: Gastrointestinal stromal tumor, somatic; Gastrointestinal stroma tumor. Identifiers: Orphanet 44890, MedGen C0238198, MeSH D046152, MONDO:0011719, OMIM 606764, HP:0100723.

Submission:

Labcorp Genetics (formerly Invitae), Labcorp
Classification: Uncertain significance for Gastrointestinal stromal tumor. Last evaluated: 2020-10-05. Review status: criteria provided, single submitter. Criteria: Invitae Variant Classification Sherloc (09022015). Collection method: clinical testing. Allele origin: germline.
Comment: This sequence change creates a premature translational stop signal (p.Gly257Argfs*55) in the PDGFRA gene. It is expected to result in an absent or disrupted protein product. This variant is not present in population databases (ExAC no frequency). This variant has not been reported in the literature in individuals with PDGFRA-related conditions. The current clinical and genetic evidence is not sufficient to establish whether loss-of-function variants in PDGFRA cause disease. In summary, the available evidence is currently insufficient to determine the role of this variant in disease. Therefore, it has been classified as a Variant of Uncertain Significance.